The following is an entry in ClinVar:

NC_012920.1(MT-ND5):m.12775G>A

Gene: MT-ND5 (mitochondrially encoded NADH dehydrogenase 5; plus strand).
Variant type: single nucleotide variant.
Genome position: chrM-12775-G-A.
Identifiers: ClinVar variation 693482 (VCV000693482.1), dbSNP rs1603223899, ClinGen allele CA414814800.

ClinVar aggregate classification (germline): Uncertain significance (1 of 4 stars; one submission).

Conditions:
Leigh syndrome (NULS). Also called: Leigh's necrotizing encephalopathy; Leigh's disease; Leigh Syndrome (mtDNA deletion); Leigh Disease; Subacute necrotizing encephalopathy; Necrotizing encephalopathy infantile subacute of Leigh. Identifiers: Orphanet 506, MedGen C2931891, MONDO:0009723, OMIM 256000.

Submission:

Wong Mito Lab, Molecular and Human Genetics, Baylor College of Medicine
Classification: Uncertain significance for Leigh syndrome. Last evaluated: 2019-10-17. Review status: criteria provided, single submitter. Criteria: Modified ACMG Guidelines (Unpublished). Collection method: clinical testing. Allele origin: germline.
Comment: The NC_012920.1:m.12775G>A (YP_003024036.1:p.Val147Met) variant in MTND5 gene is interpretated to be a Uncertain Significance variant based on the modified ACMG guidelines (unpublished). This variant meets the following evidence codes: PP4, BP4